The following is an entry in ClinVar:

NM_005592.4(MUSK):c.7G>A (p.Glu3Lys)

Gene: MUSK (muscle associated receptor tyrosine kinase; plus strand). Cytogenetic location: 9q31.3.
Variant type: single nucleotide variant.
Coding change: c.7G>A on transcript NM_005592.4 (MANE Select); coding-DNA position 7, G replaced by A.
Protein change: p.Glu3Lys; replaces glutamic acid 3 with lysine.
Molecular consequence: missense variant.
Genome position (GRCh38, 1-based): chr9:110,668,911, G>A. VCF-style: chr9-110668911-G-A. GRCh37 (hg19) VCF-style: chr9-113431191-G-A.
Other names: c.7G>A (NM_005592.3); c.7G>A, p.Glu3Lys (NM_001166280.2, NM_001166281.2); short protein forms E3K.
Identifiers: ClinVar variation 2200517 (VCV002200517.3), dbSNP rs762340994, ClinGen allele CA5183889.

ClinVar aggregate classification (germline): Uncertain significance. Review status: criteria provided, multiple submitters, no conflicts (2 of 4 stars). 2 submissions from 2 submitters: Uncertain significance (2). Last evaluated 2025-01-07.

Conditions:
Inborn genetic diseases. Identifiers: MedGen C0950123, MeSH D030342.
Fetal akinesia deformation sequence 1 (FADS1). Also called: Pena-Shokeir syndrome type I; Fetal akinesia sequence. Identifiers: Orphanet 994, MedGen C1276035, MONDO:0100101, OMIM 208150, HP:0001989.
Congenital myasthenic syndrome 9. Also called: Myasthenic syndrome, congenital, 9, associated with acetylcholine receptor deficiency. Identifiers: Orphanet 590, MedGen C4225368, MONDO:0014587, OMIM 616325.

Allele frequency attached by ClinVar (database versions not stated): ExAC 0.00001; gnomAD 0.00001; TOPMed 0.00001.
gnomAD v4.1: 17 of 1,613,384 alleles (0.0011%); highest among the groups gnomAD compares: South Asian, 0.0077%; no homozygotes.

Submissions (2):

Ambry Genetics
Classification: Uncertain significance for Inborn genetic diseases. Last evaluated: 2025-01-07. Review status: criteria provided, single submitter. Criteria: Ambry Variant Classification Scheme 2023. Collection method: clinical testing. Allele origin: germline.

Labcorp Genetics (formerly Invitae), Labcorp
Classification: Uncertain significance for Congenital myasthenic syndrome 9; Fetal akinesia deformation sequence 1. Last evaluated: 2022-03-14. Review status: criteria provided, single submitter. Criteria: Invitae Variant Classification Sherloc (09022015). Collection method: clinical testing. Allele origin: germline.
Comment: This sequence change replaces glutamic acid, which is acidic and polar, with lysine, which is basic and polar, at codon 3 of the MUSK protein (p.Glu3Lys). This variant is present in population databases (rs762340994, gnomAD 0.01%). This variant has not been reported in the literature in individuals affected with MUSK-related conditions. Advanced modeling of protein sequence and biophysical properties (such as structural, functional, and spatial information, amino acid conservation, physicochemical variation, residue mobility, and thermodynamic stability) performed at Invitae indicates that this missense variant is not expected to disrupt MUSK protein function. In summary, the available evidence is currently insufficient to determine the role of this variant in disease. Therefore, it has been classified as a Variant of Uncertain Significance.